The following is an entry in ClinVar:

ClinVar aggregate classification (germline): Likely benign (1 of 4 stars; one submission).

Allele frequency attached by ClinVar (database versions not stated): ExAC 0.00001.

Submission:

CeGaT Center for Human Genetics Tuebingen
Classification: Likely benign. Last evaluated: 2023-05-01. Review status: criteria provided, single submitter. Criteria: CeGaT Center For Human Genetics Tuebingen Variant Classification Criteria Version 2. Collection method: clinical testing. Allele origin: germline. Affected: yes. Observed: 1 variant allele.
Comment: EBF3: BP4, BP7

NM_001375380.1(EBF3):c.948G>A (p.Pro316=)

Genes: EBF3 (EBF transcription factor 3; minus strand), EBF3-AS1 (EBF3 antisense RNA 1; plus strand). Cytogenetic location: 10q26.3.
Variant type: single nucleotide variant.
Coding change: c.948G>A on transcript NM_001375380.1 (MANE Select); coding-DNA position 948, G replaced by A.
Protein change: p.Pro316=; no amino-acid change (proline 316 retained).
Molecular consequence: synonymous variant.
Genome position (GRCh38, 1-based): chr10:129,867,232, C>T on the plus strand (G>A on the coding strand, the complement: EBF3 is on the minus strand). VCF-style: chr10-129867232-C-T. GRCh37 (hg19) VCF-style: chr10-131665496-C-T.
Other names: c.921G>A, p.Pro307= (NM_001005463.3, NM_001375390.1, NM_001375392.1); c.948G>A, p.Pro316= (NM_001375379.1, NM_001375389.1, NM_001375391.1).
Identifiers: ClinVar variation 2640973 (VCV002640973.24), dbSNP rs769405606, ClinGen allele CA5748560.